The following is an entry in ClinVar:

CM000667.1:g.18819946_18913137dup

Gene: LOC129389254 (MPRA-validated peak5171 silencer; plus strand). Cytogenetic location: 5p14.3.
Variant type: Duplication.
Identifiers: ClinVar variation 156969 (VCV000156969.2).

ClinVar aggregate classification (germline): not provided (0 of 4 stars; one submission).

Conditions:
Normal pregnancy. Identifiers: MedGen C0232989.

Submission:

Institute of Molecular and Cell Biology, University of Tartu
No classification provided. Condition: Normal pregnancy. Review status: no classification provided. Collection method: case-control. Allele origin: unknown. Affected: yes. Study: Kasak2014.
Comment: The study aimed to determine the contribution of copy number variants in the genetic etiology of normal and complicated pregnancies. The samples represented (i) maternal blood DNA drawn from healthy pregnant women during 1st or 2nd trimester and (ii) maternal and paternal blood DNA drawn at term pregnancy cases representing normal and complicated gestations (severe preeclampsia, PE; gestational diabetes, GD; small-for-gestational age newborn, SGA; large-for-gestational age newborn, LGA). We performed CNV calling based on genome-wide genotyping dataset (Illumina HumanOmniExpress-24-v1 BeadChip) by applying three algorithms, QuantiSNP, GADA (Genome Alteration Detection Algorithm) and CNstream in parallel. The acquired CNV calls were merged with HD-CNV (Hotspot Detector for Copy Number Variants) program and only the CNVs predicted by at least two programs, were considered in subsequent analysis.

Literature cited by the submitters: PubMed 25666259.